The following is an entry in ClinVar:

ClinVar aggregate classification (germline): Conflicting classifications of pathogenicity. Review status: criteria provided, conflicting classifications (1 of 4 stars). 3 submissions from 3 submitters: Uncertain significance (2); Likely benign (1). Last evaluated 2025-11-17.

Conditions:
Cardiovascular phenotype. Identifiers: MedGen CN230736.
Hypercholesterolemia, autosomal dominant, type B (FHCL2). Also called: APOB-Related Familial Hypercholesterolemia, Autosomal Dominant; Hyperlipoproteinemia Type IIb; Familial Hypercholesterolemia Type B; APOLIPOPROTEIN B-100, FAMILIAL DEFECTIVE; APOLIPOPROTEIN B-100, FAMILIAL LIGAND-DEFECTIVE; Familial hypercholesterolemia 2. Identifiers: MedGen C1704417, MONDO:0007751, OMIM 144010.
Familial hypobetalipoproteinemia 1. Also called: APOB-Related Familial Hypobetalipoproteinemia; Hypobetalipoproteinemia, normotriglyceridemic; Acanthocytosis with hypobetalipoproteinemia. Identifiers: MedGen C4551990, MONDO:0014252, OMIM 615558.

Allele frequency attached by ClinVar (database versions not stated): ExAC 0.00002; gnomAD exomes 0.00002 and 0.00007; gnomAD 0.00003; TOPMed 0.00003.
gnomAD v4.1: 105 of 1,613,984 alleles (0.0065%); highest among the groups gnomAD compares: Non-Finnish European, 0.0081%; no homozygotes.

Submissions (3):

Labcorp Genetics (formerly Invitae), Labcorp
Classification: Likely benign for Familial hypobetalipoproteinemia 1; Hypercholesterolemia, autosomal dominant, type B. Last evaluated: 2025-11-17. Review status: criteria provided, single submitter. Criteria: Invitae Variant Classification Sherloc (09022015). Collection method: clinical testing. Allele origin: germline.

Ambry Genetics
Classification: Uncertain significance for Cardiovascular phenotype. Last evaluated: 2022-12-12. Review status: criteria provided, single submitter. Criteria: Ambry Variant Classification Scheme 2023. Collection method: clinical testing. Allele origin: germline.
Comment: The p.D1722N variant (also known as c.5164G>A), located in coding exon 26 of the APOB gene, results from a G to A substitution at nucleotide position 5164. The aspartic acid at codon 1722 is replaced by asparagine, an amino acid with highly similar properties. This amino acid position is not well conserved in available vertebrate species. In addition, this alteration is predicted to be tolerated by in silico analysis. Since supporting evidence is limited at this time, the clinical significance of this alteration remains unclear.

Fulgent Genetics
Classification: Uncertain significance for Hypercholesterolemia, autosomal dominant, type B; Familial hypobetalipoproteinemia 1. Last evaluated: 2021-10-11. Review status: criteria provided, single submitter. Criteria: ACMG Guidelines, 2015. Collection method: clinical testing. Allele origin: unknown.

NM_000384.3(APOB):c.5164G>A (p.Asp1722Asn)

Gene: APOB (apolipoprotein B; minus strand). Cytogenetic location: 2p24.1.
Variant type: single nucleotide variant.
Coding change: c.5164G>A on transcript NM_000384.3 (MANE Select); coding-DNA position 5164, G replaced by A.
Protein change: p.Asp1722Asn; replaces aspartic acid 1722 with asparagine.
Molecular consequence: missense variant.
Genome position (GRCh38, 1-based): chr2:21,011,704, C>T on the plus strand (G>A on the coding strand, the complement: APOB is on the minus strand). VCF-style: chr2-21011704-C-T. GRCh37 (hg19) VCF-style: chr2-21234576-C-T.
Other names: short protein forms D1722N.
Identifiers: ClinVar variation 630298 (VCV000630298.18), dbSNP rs757793421, ClinGen allele CA061765.